The following is an entry in ClinVar:

ClinVar aggregate classification (germline): Uncertain significance (1 of 4 stars; one submission).

Conditions:
Hereditary cancer-predisposing syndrome. Also called: Hereditary Cancer Syndrome; Hereditary neoplastic syndrome; Neoplastic Syndromes, Hereditary; Tumor predisposition. Identifiers: Orphanet 140162, MedGen C0027672, MeSH D009386, MONDO:0015356.

Submission:

Ambry Genetics
Classification: Uncertain significance for Hereditary cancer-predisposing syndrome. Last evaluated: 2022-10-20. Review status: criteria provided, single submitter. Criteria: Ambry Variant Classification Scheme 2023. Collection method: clinical testing. Allele origin: germline.
Comment: The p.T49S variant (also known as c.146C>G), located in coding exon 2 of the EPCAM gene, results from a C to G substitution at nucleotide position 146. The threonine at codon 49 is replaced by serine, an amino acid with similar properties. This amino acid position is conserved. In addition, this alteration is predicted to be tolerated by in silico analysis. Since supporting evidence is limited at this time, the clinical significance of this alteration remains unclear.

NM_002354.3(EPCAM):c.146C>G (p.Thr49Ser)

Gene: EPCAM (epithelial cell adhesion molecule; plus strand). Cytogenetic location: 2p21.
Variant type: single nucleotide variant.
Coding change: c.146C>G on transcript NM_002354.3 (MANE Select); coding-DNA position 146, C replaced by G.
Protein change: p.Thr49Ser; replaces threonine 49 with serine.
Molecular consequence: missense variant.
Genome position (GRCh38, 1-based): chr2:47,373,532, C>G. VCF-style: chr2-47373532-C-G. GRCh37 (hg19) VCF-style: chr2-47600671-C-G.
Other names: short protein forms T49S.
Identifiers: ClinVar variation 1773324 (VCV001773324.2), dbSNP rs545571152, ClinGen allele CA346722582.